The following is an entry in ClinVar:

NM_152381.6(XIRP2):c.2311C>T (p.Arg771Trp)

Gene: XIRP2 (xin actin binding repeat containing 2; plus strand). Cytogenetic location: 2q24.3.
Variant type: single nucleotide variant.
Coding change: c.2311C>T on transcript NM_152381.6 (MANE Select); coding-DNA position 2311, C replaced by T.
Protein change: p.Arg771Trp; replaces arginine 771 with tryptophan.
Molecular consequence: missense variant. On other transcripts: intron variant (3).
Genome position (GRCh38, 1-based): chr2:167,243,703, C>T. VCF-style: chr2-167243703-C-T. GRCh37 (hg19) VCF-style: chr2-168100213-C-T.
Other names: c.1645C>T, p.Arg549Trp (NM_001199144.2); c.1275+1793C>T (NM_001199143.2); c.1176+1793C>T (NM_001079810.4); c.510+1793C>T (NM_001199145.2); c.2311C>T (NM_152381.5); short protein forms R549W, R771W.
Identifiers: ClinVar variation 721992 (VCV000721992.5), dbSNP rs548985321, ClinGen allele CA1946635.

ClinVar aggregate classification (germline): Benign. Review status: criteria provided, single submitter (1 of 4 stars). 2 submissions from 2 submitters: Benign (1). 1 of the submissions does not count toward it. Last evaluated 2018-06-22.

Conditions:
XIRP2-related disorder. Also called: XIRP2-related condition.

Allele frequency attached by ClinVar (database versions not stated): 1000 Genomes Project 30x 0.00016; 1000 Genomes Project 0.00020; gnomAD 0.00019 and 0.00020; ExAC 0.00046; TOPMed 0.00037.
gnomAD v4.1: 356 of 1,613,918 alleles (0.022%); highest among the groups gnomAD compares: Admixed American, 0.25%; 1 homozygote.

Submissions (2):

Labcorp Genetics (formerly Invitae), Labcorp
Classification: Benign. Last evaluated: 2018-06-22. Review status: criteria provided, single submitter. Criteria: Invitae Variant Classification Sherloc (09022015). Collection method: clinical testing. Allele origin: germline.

PreventionGenetics, part of Exact Sciences
Classification: Likely benign for XIRP2-related condition. Last evaluated: 2019-09-05. Review status: no assertion criteria provided. Collection method: clinical testing. Allele origin: germline. Not counted in ClinVar's aggregate classification.
Comment: This variant is classified as likely benign based on ACMG/AMP sequence variant interpretation guidelines (Richards et al. 2015 PMID: 25741868, with internal and published modifications).